The following is an entry in ClinVar:

NM_021083.4(XK):c.662C>T (p.Thr221Ile)

Gene: XK (X-linked Kx blood group antigen, Kell and VPS13A binding protein; plus strand). Cytogenetic location: Xp21.1.
Variant type: single nucleotide variant.
Coding change: c.662C>T on transcript NM_021083.4 (MANE Select); coding-DNA position 662, C replaced by T.
Protein change: p.Thr221Ile; replaces threonine 221 with isoleucine.
Molecular consequence: missense variant.
Genome position (GRCh38, 1-based): chrX:37,727,789, C>T. VCF-style: chrX-37727789-C-T. GRCh37 (hg19) VCF-style: chrX-37587042-C-T.
Other names: short protein forms T221I.
Identifiers: ClinVar variation 3373606 (VCV003373606.1).
Genomic context (GRCh38, chrX:37,727,789, plus strand): 5'-TCAAAGTGAAGCCTCTGGCCTATGTCTGTATCTTCCTGTGGAGGAGCTTTGAGATTGCCA[C>T]TCGAGTTGTAGTCCTGGTCCTCTTTACCTCCGTCCTGAAGACCTGGGTGGTGGTTATAAT-3'
Protein context (NP_066569.1, residues 211-231): IFLWRSFEIA[Thr221Ile]RVVVLVLFTS

ClinVar aggregate classification (germline): Uncertain significance (1 of 4 stars; one submission).

Submission:

GeneDx
Classification: Uncertain significance. Last evaluated: 2024-03-06. Review status: criteria provided, single submitter. Criteria: GeneDx Variant Classification Process June 2021. Collection method: clinical testing. Allele origin: germline. Affected: yes.
Comment: Not observed at significant frequency in large population cohorts (gnomAD); In silico analysis supports that this missense variant has a deleterious effect on protein structure/function; Has not been previously published as pathogenic or benign to our knowledge